The following is an entry in ClinVar:

ClinVar aggregate classification (germline): Conflicting classifications of pathogenicity. Review status: criteria provided, conflicting classifications (1 of 4 stars). 2 submissions from 2 submitters: Uncertain significance (1); Likely benign (1). Last evaluated 2024-09-02.

Conditions:
Inborn genetic diseases. Identifiers: MedGen C0950123, MeSH D030342.

Allele frequency attached by ClinVar (database versions not stated): gnomAD 0.00001; TOPMed 0.00001; ExAC 0.00002.
gnomAD v4.1: 6 of 1,613,596 alleles (0.00037%); highest among the groups gnomAD compares: Non-Finnish European, 0.00051%; no homozygotes.

Submissions (2):

Ambry Genetics
Classification: Likely benign for Inborn genetic diseases. Last evaluated: 2024-09-02. Review status: criteria provided, single submitter. Criteria: Ambry Variant Classification Scheme 2023. Collection method: clinical testing. Allele origin: germline.

GeneDx
Classification: Uncertain significance. Last evaluated: 2023-03-22. Review status: criteria provided, single submitter. Criteria: GeneDx Variant Classification Process June 2021. Collection method: clinical testing. Allele origin: germline. Affected: yes.
Comment: Has not been previously published as pathogenic or benign to our knowledge; Not observed at significant frequency in large population cohorts (gnomAD); In silico analysis supports that this missense variant does not alter protein structure/function

NM_002204.4(ITGA3):c.1866G>C (p.Glu622Asp)

Gene: ITGA3 (integrin subunit alpha 3; plus strand). Cytogenetic location: 17q21.33.
Variant type: single nucleotide variant.
Coding change: c.1866G>C on transcript NM_002204.4 (MANE Select); coding-DNA position 1866, G replaced by C.
Protein change: p.Glu622Asp; replaces glutamic acid 622 with aspartic acid.
Molecular consequence: missense variant.
Genome position (GRCh38, 1-based): chr17:50,076,625, G>C. VCF-style: chr17-50076625-G-C. GRCh37 (hg19) VCF-style: chr17-48153989-G-C.
Other names: NM_005501.2:c.1866G>C; short protein forms E622D.
Identifiers: ClinVar variation 2580628 (VCV002580628.2), dbSNP rs757065777, ClinGen allele CA8641728.